The following is an entry in ClinVar:

ClinVar aggregate classification (germline): Uncertain significance (1 of 4 stars; one submission).

Submission:

Labcorp Genetics (formerly Invitae), Labcorp
Classification: Uncertain significance. Last evaluated: 2026-01-05. Review status: criteria provided, single submitter. Criteria: Invitae Variant Classification Sherloc (09022015). Collection method: clinical testing. Allele origin: germline.
Comment: This sequence change replaces methionine, which is neutral and non-polar, with leucine, which is neutral and non-polar, at codon 1640 of the CPLANE1 protein (p.Met1640Leu). This variant is not present in population databases (gnomAD no frequency). This variant has not been reported in the literature in individuals affected with CPLANE1-related conditions. ClinVar contains an entry for this variant (Variation ID: 1411874). Invitae Evidence Modeling of protein sequence and biophysical properties (such as structural, functional, and spatial information, amino acid conservation, physicochemical variation, residue mobility, and thermodynamic stability) indicates that this missense variant is not expected to disrupt CPLANE1 protein function with a negative predictive value of 95%. In summary, the available evidence is currently insufficient to determine the role of this variant in disease. Therefore, it has been classified as a Variant of Uncertain Significance.

NM_001384732.1(CPLANE1):c.4918A>T (p.Met1640Leu)

Gene: CPLANE1 (ciliogenesis and planar polarity effector complex subunit 1; minus strand). Cytogenetic location: 5p13.2.
Variant type: single nucleotide variant.
Coding change: c.4918A>T on transcript NM_001384732.1 (MANE Select); coding-DNA position 4918, A replaced by T.
Protein change: p.Met1640Leu; replaces methionine 1640 with leucine.
Molecular consequence: missense variant.
Genome position (GRCh38, 1-based): chr5:37,183,263, T>A on the plus strand (A>T on the coding strand, the complement: CPLANE1 is on the minus strand). VCF-style: chr5-37183263-T-A. GRCh37 (hg19) VCF-style: chr5-37183365-T-A.
Other names: c.4918A>T, p.Met1640Leu (NM_023073.4); short protein forms M1640L.
Identifiers: ClinVar variation 1411874 (VCV001411874.8), dbSNP rs758900927, ClinGen allele CA359495224.